The following is an entry in ClinVar:

NM_000368.5(TSC1):c.1530C>T (p.Asp510=)

Gene: TSC1 (TSC complex subunit 1; minus strand). Cytogenetic location: 9q34.13.
Variant type: single nucleotide variant.
Coding change: c.1530C>T on transcript NM_000368.5 (MANE Select); coding-DNA position 1530, C replaced by T.
Protein change: p.Asp510=; no amino-acid change (aspartic acid 510 retained).
Molecular consequence: synonymous variant.
Genome position (GRCh38, 1-based): chr9:132,906,048, G>A on the plus strand (C>T on the coding strand, the complement: TSC1 is on the minus strand). VCF-style: chr9-132906048-G-A. GRCh37 (hg19) VCF-style: chr9-135781435-G-A.
Other names: c.1527C>T, p.Asp509= (NM_001162426.2); c.1377C>T, p.Asp459= (NM_001162427.2); c.1167C>T, p.Asp389= (NM_001362177.2).
Identifiers: ClinVar variation 466032 (VCV000466032.13), dbSNP rs1554816033, ClinGen allele CA467591131.
Genomic context (GRCh38, chr9:132,906,048, plus strand): 5'-GCTGGCGCCCTGAGAACTGGAGGCTGCCGAGTGGGTCTTCCGCTGAGAACCTGGGAGACT[G>A]TCTCGGTAAAAGGGAGAGTCAAAGCCTCCTCGAGGAACCACAGGCTCTGCCTCTGCTGTG-3'
Protein context (NP_000359.1, residues 500-520): RGGFDSPFYR[Asp510=]SLPGSQRKTH

ClinVar aggregate classification (germline): Benign/Likely benign. Review status: criteria provided, multiple submitters, no conflicts (2 of 4 stars). 3 submissions from 3 submitters: Benign (1); Likely benign (2). Last evaluated 2025-04-09.

Conditions:
Tuberous sclerosis 1 (TSC1). Identifiers: Orphanet 805, MedGen C1854465, MONDO:0008612, OMIM 191100.
Hereditary cancer-predisposing syndrome. Also called: Hereditary neoplastic syndrome; Neoplastic Syndromes, Hereditary; Tumor predisposition; Hereditary Cancer Syndrome. Identifiers: Orphanet 140162, MedGen C0027672, MeSH D009386, MONDO:0015356.

Submissions (3):

Myriad Genetics, Inc.
Classification: Benign for Tuberous sclerosis 1. Last evaluated: 2025-04-09. Review status: criteria provided, single submitter. Criteria: Myriad Autosomal Dominant, Autosomal Recessive and X-Linked Classification Criteria (2023). Collection method: clinical testing. Allele origin: unknown.
Comment: This variant is considered benign. This variant is a silent/synonymous amino acid change and it is not expected to impact splicing.

Labcorp Genetics (formerly Invitae), Labcorp
Classification: Likely benign for Tuberous sclerosis 1. Last evaluated: 2024-02-26. Review status: criteria provided, single submitter. Criteria: Invitae Variant Classification Sherloc (09022015). Collection method: clinical testing. Allele origin: germline.

Ambry Genetics
Classification: Likely benign for Hereditary cancer-predisposing syndrome. Last evaluated: 2021-05-02. Review status: criteria provided, single submitter. Criteria: Ambry Variant Classification Scheme 2023. Collection method: clinical testing. Allele origin: germline.